The following is an entry in ClinVar:

ClinVar aggregate classification (germline): Uncertain significance (1 of 4 stars; one submission).

Submission:

GeneDx
Classification: Uncertain significance. Last evaluated: 2025-06-18. Review status: criteria provided, single submitter. Criteria: GeneDx Variant Classification Process June 2021. Collection method: clinical testing. Allele origin: germline. Affected: yes.
Comment: Not observed at significant frequency in large population cohorts (gnomAD); In silico analysis supports that this missense variant has a deleterious effect on protein structure/function; Has not been previously published as pathogenic or benign to our knowledge

NM_000052.7(ATP7A):c.2579G>A (p.Gly860Asp)

Gene: ATP7A (ATPase copper transporting alpha; plus strand). Cytogenetic location: Xq21.1.
Variant type: single nucleotide variant.
Coding change: c.2579G>A on transcript NM_000052.7 (MANE Select); coding-DNA position 2579, G replaced by A.
Protein change: p.Gly860Asp; replaces glycine 860 with aspartic acid.
Molecular consequence: missense variant.
Genome position (GRCh38, 1-based): chrX:78,015,834, G>A. VCF-style: chrX-78015834-G-A. GRCh37 (hg19) VCF-style: chrX-77271331-G-A.
Other names: c.2345G>A, p.Gly782Asp (NM_001282224.2); short protein forms G782D, G860D.
Identifiers: ClinVar variation 4538941 (VCV004538941.1).
Genomic context (GRCh38, chrX:78,015,834, plus strand): 5'-AACTTGTACAACGTGGAGATATCATTAAAGTAGTTCCAGGAGGCAAATTTCCAGTGGATG[G>A]TCGTGTTATTGAAGGACATTCTATGGTAGATGAGTCCCTCATCACAGGTATGTTCTTTCA-3'
Protein context (NP_000043.4, residues 850-870): VVPGGKFPVD[Gly860Asp]RVIEGHSMVD